The following is an entry in ClinVar:

NM_001458.5(FLNC):c.850+1G>A

Gene: FLNC (filamin C; plus strand). Cytogenetic location: 7q32.1.
Variant type: single nucleotide variant.
Coding change: c.850+1G>A on transcript NM_001458.5 (MANE Select); the canonical splice donor site of the intron after coding-DNA position 850, G replaced by A.
Molecular consequence: splice donor variant.
Genome position (GRCh38, 1-based): chr7:128,837,549, G>A. VCF-style: chr7-128837549-G-A. GRCh37 (hg19) VCF-style: chr7-128477603-G-A.
Other names: c.850+1G>A (NM_001127487.2).
Identifiers: ClinVar variation 1475633 (VCV001475633.6), dbSNP rs1808146842, ClinGen allele CA369222788.
Genomic context (GRCh38, chr7:128,837,549, plus strand): 5'-CTGGTGCCCCTGTTCGATCCAAGCAGCTGAACCCCAAGAAAGCCATCGCCTATGGGCCTG[G>A]TATGTGTGAGCCCCTGGCGGCCCTCCTGGGCAGCTGGGCACATGTAGGCTCTCCCTGAGT-3'

ClinVar aggregate classification (germline): Likely pathogenic (1 of 4 stars; one submission).

Conditions:
Distal myopathy with posterior leg and anterior hand involvement. Also called: WILLIAMS DISTAL MYOPATHY. Identifiers: Orphanet 63273, MedGen C3279722, MONDO:0013550, OMIM 614065.
Hypertrophic cardiomyopathy 26. Also called: Cardiomyopathy, familial hypertrophic, 26. Identifiers: Orphanet 75249, MedGen C4310749, MONDO:0014883, OMIM 617047.
Myofibrillar myopathy 5. Also called: FILAMINOPATHY, AUTOSOMAL DOMINANT; Filaminopathy (type). Identifiers: Orphanet 171445, MedGen C1836050, MONDO:0012289, OMIM 609524.

Allele frequency attached by ClinVar (database versions not stated): gnomAD 0.00001.
gnomAD v4.1: 1 of 1,614,026 alleles (0.000062%); highest among the groups gnomAD compares: South Asian, 0.0011%; no homozygotes.

Submission:

Labcorp Genetics (formerly Invitae), Labcorp
Classification: Likely pathogenic for Distal myopathy with posterior leg and anterior hand involvement; Myofibrillar myopathy 5; Hypertrophic cardiomyopathy 26. Last evaluated: 2022-10-23. Review status: criteria provided, single submitter. Criteria: Invitae Variant Classification Sherloc (09022015). Collection method: clinical testing. Allele origin: germline.
Comment: This sequence change affects a donor splice site in intron 4 of the FLNC gene. It is expected to disrupt RNA splicing. Variants that disrupt the donor or acceptor splice site typically lead to a loss of protein function (PMID: 16199547), and loss-of-function variants in FLNC are known to be pathogenic (PMID: 27908349). This variant is not present in population databases (gnomAD no frequency). In summary, the currently available evidence indicates that the variant is pathogenic, but additional data are needed to prove that conclusively. Therefore, this variant has been classified as Likely Pathogenic. Algorithms developed to predict the effect of sequence changes on RNA splicing suggest that this variant may disrupt the consensus splice site. ClinVar contains an entry for this variant (Variation ID: 1475633). This variant has not been reported in the literature in individuals affected with FLNC-related conditions.

Literature cited by the submitters: PubMed 16199547; PubMed 27908349.